The following is an entry in ClinVar:

ClinVar aggregate classification (germline): Uncertain significance. Review status: criteria provided, multiple submitters, no conflicts (2 of 4 stars). 2 submissions from 2 submitters: Uncertain significance (2). Last evaluated 2025-05-12.

Conditions:
Retinitis pigmentosa 71 (RP71). Identifiers: Orphanet 791, MedGen C4225342, MONDO:0014618, OMIM 616394.
Short-rib thoracic dysplasia 10 with or without polydactyly (SRTD10). Identifiers: Orphanet 474, MedGen C3810175, MONDO:0014284, OMIM 615630.
Inborn genetic diseases. Identifiers: MedGen C0950123, MeSH D030342.

Submissions (2):

Labcorp Genetics (formerly Invitae), Labcorp
Classification: Uncertain significance for Retinitis pigmentosa 71; Short-rib thoracic dysplasia 10 with or without polydactyly. Last evaluated: 2025-05-12. Review status: criteria provided, single submitter. Criteria: Invitae Variant Classification Sherloc (09022015). Collection method: clinical testing. Allele origin: germline.
Comment: This sequence change replaces serine, which is neutral and polar, with cysteine, which is neutral and slightly polar, at codon 1068 of the IFT172 protein (p.Ser1068Cys). This variant is not present in population databases (gnomAD no frequency). This variant has not been reported in the literature in individuals affected with IFT172-related conditions. ClinVar contains an entry for this variant (Variation ID: 1461830). Invitae Evidence Modeling of protein sequence and biophysical properties (such as structural, functional, and spatial information, amino acid conservation, physicochemical variation, residue mobility, and thermodynamic stability) indicates that this missense variant is not expected to disrupt IFT172 protein function with a negative predictive value of 95%. In summary, the available evidence is currently insufficient to determine the role of this variant in disease. Therefore, it has been classified as a Variant of Uncertain Significance.

Ambry Genetics
Classification: Uncertain significance for Inborn genetic diseases. Last evaluated: 2025-04-17. Review status: criteria provided, single submitter. Criteria: Ambry Variant Classification Scheme 2023. Collection method: clinical testing. Allele origin: germline.

NM_015662.3(IFT172):c.3202A>T (p.Ser1068Cys)

Gene: IFT172 (intraflagellar transport 172; minus strand). Cytogenetic location: 2p23.3.
Variant type: single nucleotide variant.
Coding change: c.3202A>T on transcript NM_015662.3 (MANE Select); coding-DNA position 3202, A replaced by T.
Protein change: p.Ser1068Cys; replaces serine 1068 with cysteine.
Molecular consequence: missense variant.
Genome position (GRCh38, 1-based): chr2:27,457,665, T>A on the plus strand (A>T on the coding strand, the complement: IFT172 is on the minus strand). VCF-style: chr2-27457665-T-A. GRCh37 (hg19) VCF-style: chr2-27680532-T-A.
Other names: c.3202A>T (NM_015662.1); short protein forms S1068C.
Identifiers: ClinVar variation 1461830 (VCV001461830.9), dbSNP rs1666267648, ClinGen allele CA346379968.